The following is an entry in ClinVar:

NM_021620.4(PRDM13):c.2099_2100delinsAC (p.Gly700Asp)

Gene: PRDM13 (PR/SET domain 13; plus strand). Cytogenetic location: 6q16.2.
Variant type: Indel.
Coding change: c.2099_2100delinsAC on transcript NM_021620.4 (MANE Select); coding-DNA positions 2099 to 2100, GG replaced by AC.
Protein change: p.Gly700Asp; replaces glycine 700 with aspartic acid.
Molecular consequence: missense variant.
Genome position (GRCh38, 1-based): chr6:99,614,734-99,614,735, GG replaced by AC. VCF-style: chr6-99614734-GG-AC. GRCh37 (hg19) VCF-style: chr6-100062610-GG-AC.
Other names: short protein forms G700D.
Identifiers: ClinVar variation 4714637 (VCV004714637.1).
Genomic context (GRCh38, chr6:99,614,734, plus strand): 5'-AGAGCGACGACAGTGACGTGGACGTCTGCTTCACAGACGACCAGAGCGACCCCGAGGTTG[GG>AC]GGCGGCGGGGAGCGCGACTTGTAACGAGTCTTCCCGGGAAGGGGCGGGGTGAGGACAGAG-3'
Protein context (NP_067633.2, residues 690-707): FTDDQSDPEV[Gly700Asp]GGGERDL

ClinVar aggregate classification (germline): Uncertain significance (1 of 4 stars; one submission).

Submission:

Labcorp Genetics (formerly Invitae), Labcorp
Classification: Uncertain significance. Last evaluated: 2025-03-07. Review status: criteria provided, single submitter. Criteria: Invitae Variant Classification Sherloc (09022015). Collection method: clinical testing. Allele origin: germline.
Comment: This sequence change replaces glycine, which is neutral and non-polar, with aspartic acid, which is acidic and polar, at codon 700 of the PRDM13 protein (p.Gly700Asp). Information on the frequency of this variant in the gnomAD database is not available, as this variant may be reported differently in the database. This variant has not been reported in the literature in individuals affected with PRDM13-related conditions. An algorithm developed to predict the effect of missense changes on protein structure and function (PolyPhen-2) suggests that this variant is likely to be tolerated. In summary, the available evidence is currently insufficient to determine the role of this variant in disease. Therefore, it has been classified as a Variant of Uncertain Significance.